The following is an entry in ClinVar:

ClinVar aggregate classification (germline): Uncertain significance (1 of 4 stars; one submission).

Submission:

GeneDx
Classification: Uncertain significance. Last evaluated: 2025-12-19. Review status: criteria provided, single submitter. Criteria: GeneDx Variant Classification Process June 2021. Collection method: clinical testing. Allele origin: germline.
Comment: Not observed at significant frequency in large population cohorts (gnomAD); In silico analysis suggests that this missense variant does not alter protein structure/function; Has not been previously published as pathogenic or benign to our knowledge

NM_031407.7(HUWE1):c.7535T>G (p.Ile2512Ser)

Gene: HUWE1 (HECT, UBA and WWE domain containing E3 ubiquitin protein ligase 1; minus strand). Cytogenetic location: Xp11.22.
Variant type: single nucleotide variant.
Coding change: c.7535T>G on transcript NM_031407.7 (MANE Select); coding-DNA position 7535, T replaced by G.
Protein change: p.Ile2512Ser; replaces isoleucine 2512 with serine.
Molecular consequence: missense variant.
Genome position (GRCh38, 1-based): chrX:53,560,389, A>C on the plus strand (T>G on the coding strand, the complement: HUWE1 is on the minus strand). VCF-style: chrX-53560389-A-C. GRCh37 (hg19) VCF-style: chrX-53587350-A-C.
Other names: short protein forms I2512S.
Identifiers: ClinVar variation 2504919 (VCV002504919.2), dbSNP rs2523924058, ClinGen allele CA413155935.